The following is an entry in ClinVar:

ClinVar aggregate classification (germline): Uncertain significance. Review status: criteria provided, single submitter (1 of 4 stars). 2 submissions from 2 submitters: Uncertain significance (1). 1 of the submissions does not count toward it. Last evaluated 2022-10-26.

Conditions:
PIEZO1-related disorder. Also called: PIEZO1-related condition; PIEZO1-Related Disorders.
Inborn genetic diseases. Identifiers: MedGen C0950123, MeSH D030342.

Allele frequency attached by ClinVar (database versions not stated): gnomAD exomes 0.00001; gnomAD 0.00003; ExAC 0.00005; TOPMed 0.00007.
gnomAD v4.1: 24 of 1,549,864 alleles (0.0015%); highest among the groups gnomAD compares: Admixed American, 0.025%; no homozygotes.

Submissions (2):

Ambry Genetics
Classification: Uncertain significance for Inborn genetic diseases. Last evaluated: 2022-10-26. Review status: criteria provided, single submitter. Criteria: Ambry Variant Classification Scheme 2023. Collection method: clinical testing. Allele origin: germline.

PreventionGenetics, part of Exact Sciences
Classification: Uncertain significance for PIEZO1-related condition. Last evaluated: 2024-03-02. Review status: no assertion criteria provided. Collection method: clinical testing. Allele origin: germline. Not counted in ClinVar's aggregate classification.
Comment: The PIEZO1 c.1657G>A variant is predicted to result in the amino acid substitution p.Val553Met. To our knowledge, this variant has not been reported in the literature. This variant is reported in 0.031% of alleles in individuals of Latino descent in gnomAD. At this time, the clinical significance of this variant is uncertain due to the absence of conclusive functional and genetic evidence.

NM_001142864.4(PIEZO1):c.1657G>A (p.Val553Met)

Genes: HSALR1 (HSP90AB1 associated lncRNA 1; plus strand), PIEZO1 (piezo type mechanosensitive ion channel component 1 (Er blood group); minus strand). Cytogenetic location: 16q24.3.
Variant type: single nucleotide variant.
Coding change: c.1657G>A on transcript NM_001142864.4 (MANE Select); coding-DNA position 1657, G replaced by A.
Protein change: p.Val553Met; replaces valine 553 with methionine.
Molecular consequence: missense variant.
Genome position (GRCh38, 1-based): chr16:88,735,147, C>T on the plus strand (G>A on the coding strand, the complement: PIEZO1 is on the minus strand). VCF-style: chr16-88735147-C-T. GRCh37 (hg19) VCF-style: chr16-88801555-C-T.
Other names: c.202G>A, p.Val68Met (NM_014745.1); c.1657G>A (NM_001142864.3); short protein forms V553M, V68M.
Identifiers: ClinVar variation 2397941 (VCV002397941.4), dbSNP rs781291651, ClinGen allele CA8232952.